The following is an entry in ClinVar:

ClinVar aggregate classification (germline): Uncertain significance (1 of 4 stars; one submission).

Conditions:
Hereditary cancer-predisposing syndrome. Also called: Neoplastic Syndromes, Hereditary; Tumor predisposition; Hereditary Cancer Syndrome; Hereditary neoplastic syndrome. Identifiers: Orphanet 140162, MedGen C0027672, MeSH D009386, MONDO:0015356.

Submission:

Ambry Genetics
Classification: Uncertain significance for Hereditary cancer-predisposing syndrome. Last evaluated: 2025-10-09. Review status: criteria provided, single submitter. Criteria: Ambry Variant Classification Scheme 2023. Collection method: clinical testing. Allele origin: germline.
Comment: The p.N271K variant (also known as c.813T>G), located in coding exon 5 of the MSH3 gene, results from a T to G substitution at nucleotide position 813. The asparagine at codon 271 is replaced by lysine, an amino acid with similar properties. This amino acid position is conserved. In addition, the in silico prediction for this alteration is inconclusive. Based on the available evidence, the clinical significance of this variant remains unclear.

NM_002439.5(MSH3):c.813T>G (p.Asn271Lys)

Gene: MSH3 (mutS homolog 3; plus strand). Cytogenetic location: 5q14.1.
Variant type: single nucleotide variant.
Coding change: c.813T>G on transcript NM_002439.5 (MANE Select); coding-DNA position 813, T replaced by G.
Protein change: p.Asn271Lys; replaces asparagine 271 with lysine.
Molecular consequence: missense variant.
Genome position (GRCh38, 1-based): chr5:80,672,264, T>G. VCF-style: chr5-80672264-T-G. GRCh37 (hg19) VCF-style: chr5-79968083-T-G.
Other names: short protein forms N271K.
Identifiers: ClinVar variation 4654439 (VCV004654439.1).